The following is an entry in ClinVar:

ClinVar aggregate classification (germline): Uncertain significance (1 of 4 stars; one submission).

Submission:

Dasa
Classification: Uncertain significance. Last evaluated: 2026-08-03. Review status: criteria provided, single submitter. Criteria: DASA Assertion Criteria. Collection method: clinical testing. Allele origin: germline.
Comment: NM_001353345.2(SETD1B):c.5039T>C (p.Ile1680Thr) is a missense variant that results in the substitution of isoleucine with threonine. This variant is rare in population databases. Computational prediction algorithms are consistent with a deleterious effect. The currently available literature and clinical evidence are not sufficient to establish a definitive association between this variant and the reported condition. Therefore, this variant is classified as a variant of uncertain significance.

NM_001353345.2(SETD1B):c.5039T>C (p.Ile1680Thr)

Gene: SETD1B (SET domain containing 1B, histone lysine methyltransferase; plus strand). Cytogenetic location: 12q24.31.
Variant type: single nucleotide variant.
Coding change: c.5039T>C on transcript NM_001353345.2 (MANE Select); coding-DNA position 5039, T replaced by C.
Protein change: p.Ile1680Thr; replaces isoleucine 1680 with threonine.
Molecular consequence: missense variant.
Genome position (GRCh38, 1-based): chr12:121,823,618, T>C. VCF-style: chr12-121823618-T-C. GRCh37 (hg19) VCF-style: chr12-122261524-T-C.
Other names: short protein forms I1680T.
Identifiers: ClinVar variation 5020854 (VCV005020854.1).